The following is an entry in ClinVar:

ClinVar aggregate classification (germline): Uncertain significance (1 of 4 stars; one submission).

Conditions:
Intellectual developmental disorder, autosomal dominant 38. Also called: Intellectual disability, autosomal dominant 38; PSYCHOMOTOR RETARDATION, EPILEPSY, AND LANGUAGE DISABILITY SYNDROME. Identifiers: MedGen C4225343, MONDO:0014617, OMIM 616393.

gnomAD v4.1: 1 of 1,612,764 alleles (0.000062%); no homozygotes.

Submission:

Pittsburgh Clinical Genomics Laboratory, University of Pittsburgh Medical Center
Classification: Uncertain significance for Intellectual developmental disorder, autosomal dominant 38. Last evaluated: 2023-08-09. Review status: criteria provided, single submitter. Criteria: ACMG Guidelines, 2015. Collection method: clinical testing. Allele origin: germline. Inheritance: Autosomal dominant inheritance. Affected: yes.
Comment: This sequence variant is a single nucleotide substitution (G>A) at position 962 of the coding sequence of the EEF1A2 gene that results in an arginine to glutamine amino acid change at residue 321 of the eukaryotic translation elongation factor 1 alpha 2 protein. This variant is absent from ClinVar and published literature. This variant is present in 1 of 249432 alleles (0.0004%) in the gnomAD population dataset. Multiple bioinformatic tools predict that this arginine to glutamine amino acid change would be neutral, and the Arg321 residue at this position is highly conserved across the vertebrate species examined. Studies examining the functiol consequence of this variant have not been performed, to our knowledge. At this time, there is insufficient evidence to determine if this variant is pathogenic or benign. Therefore, we consider this a variant of uncertain significance. ACMG Criteria: BP4, PM2

NM_001958.5(EEF1A2):c.962G>A (p.Arg321Gln)

Gene: EEF1A2 (eukaryotic translation elongation factor 1 alpha 2; minus strand). Cytogenetic location: 20q13.33.
Variant type: single nucleotide variant.
Coding change: c.962G>A on transcript NM_001958.5 (MANE Select); coding-DNA position 962, G replaced by A.
Protein change: p.Arg321Gln; replaces arginine 321 with glutamine.
Molecular consequence: missense variant.
Genome position (GRCh38, 1-based): chr20:63,490,546, C>T on the plus strand (G>A on the coding strand, the complement: EEF1A2 is on the minus strand). VCF-style: chr20-63490546-C-T. GRCh37 (hg19) VCF-style: chr20-62121899-C-T.
Other names: short protein forms R321Q.
Identifiers: ClinVar variation 3376277 (VCV003376277.1).
Genomic context (GRCh38, chr20:63,490,546, plus strand): 5'-GTGAACTGAGCAGCCTCCTGCGGCGGGTCAGACTTGCTGTCCCCACACACGTTGCCCCGC[C>T]GGATGTCCTTCACCGACACGTTCTTCACATTGAAGCCGACGTTGTCGCCGGGCAGAGCTT-3'
Protein context (NP_001949.1, residues 311-331): NVKNVSVKDI[Arg321Gln]RGNVCGDSKS